The following is an entry in ClinVar:

ClinVar aggregate classification (germline): Likely benign. Review status: criteria provided, multiple submitters, no conflicts (2 of 4 stars). 2 submissions from 2 submitters: Likely benign (2). Last evaluated 2026-01-01.

Allele frequency attached by ClinVar (database versions not stated): ExAC 0.00006; gnomAD exomes 0.00006; TOPMed 0.00006; ESP Exome Variant Server 0.00008; gnomAD 0.00008.
gnomAD v4.1: 62 of 1,614,014 alleles (0.0038%); highest among the groups gnomAD compares: Admixed American, 0.0083%; no homozygotes.

Submissions (2):

CeGaT Center for Human Genetics Tuebingen
Classification: Likely benign. Last evaluated: 2026-01-01. Review status: criteria provided, single submitter. Criteria: CeGaT Center For Human Genetics Tuebingen Variant Classification Criteria Version 2. Collection method: clinical testing. Allele origin: germline. Affected: yes. Observed: 1 variant allele.
Comment: ADCY5: BP4, BP7

Labcorp Genetics (formerly Invitae), Labcorp
Classification: Likely benign. Last evaluated: 2023-11-27. Review status: criteria provided, single submitter. Criteria: Invitae Variant Classification Sherloc (09022015). Collection method: clinical testing. Allele origin: germline.

NM_183357.3(ADCY5):c.1968C>T (p.Ile656=)

Gene: ADCY5 (adenylate cyclase 5; minus strand). Cytogenetic location: 3q21.1.
Variant type: single nucleotide variant.
Coding change: c.1968C>T on transcript NM_183357.3 (MANE Select); coding-DNA position 1968, C replaced by T.
Protein change: p.Ile656=; no amino-acid change (isoleucine 656 retained).
Molecular consequence: synonymous variant.
Genome position (GRCh38, 1-based): chr3:123,325,442, G>A on the plus strand (C>T on the coding strand, the complement: ADCY5 is on the minus strand). VCF-style: chr3-123325442-G-A. GRCh37 (hg19) VCF-style: chr3-123044289-G-A.
Other names: c.918C>T, p.Ile306= (NM_001199642.1); c.1968C>T, p.Ile656= (NM_001378259.1).
Identifiers: ClinVar variation 725242 (VCV000725242.10), dbSNP rs138891983, ClinGen allele CA2577295.